The following is an entry in ClinVar:

ClinVar aggregate classification (germline): Uncertain significance (1 of 4 stars; one submission).

Conditions:
Pheochromocytoma/paraganglioma syndrome 5. Also called: Paragangliomas 5; SDHA-Related Hereditary Paraganglioma-Pheochromocytoma Syndrome. Identifiers: Orphanet 29072, MedGen C3279992, MONDO:0013602, OMIM 614165.
Mitochondrial complex II deficiency, nuclear type 1. Also called: SUCCINATE CoQ REDUCTASE DEFICIENCY. Identifiers: Orphanet 3208, MedGen C5700310, MONDO:0100294, OMIM 252011.

Submission:

Labcorp Genetics (formerly Invitae), Labcorp
Classification: Uncertain significance for Pheochromocytoma/paraganglioma syndrome 5; Mitochondrial complex II deficiency, nuclear type 1. Last evaluated: 2025-04-10. Review status: criteria provided, single submitter. Criteria: Invitae Variant Classification Sherloc (09022015). Collection method: clinical testing. Allele origin: germline.
Comment: This sequence change replaces histidine, which is basic and polar, with tyrosine, which is neutral and polar, at codon 522 of the SDHA protein (p.His522Tyr). This variant is not present in population databases (gnomAD no frequency). This variant has not been reported in the literature in individuals affected with SDHA-related conditions. ClinVar contains an entry for this variant (Variation ID: 2116353). Invitae Evidence Modeling of protein sequence and biophysical properties (such as structural, functional, and spatial information, amino acid conservation, physicochemical variation, residue mobility, and thermodynamic stability) indicates that this missense variant is not expected to disrupt SDHA protein function with a negative predictive value of 95%. In summary, the available evidence is currently insufficient to determine the role of this variant in disease. Therefore, it has been classified as a Variant of Uncertain Significance.

NM_004168.4(SDHA):c.1564C>T (p.His522Tyr)

Gene: SDHA (succinate dehydrogenase complex flavoprotein subunit A; plus strand). Cytogenetic location: 5p15.33.
Variant type: single nucleotide variant.
Coding change: c.1564C>T on transcript NM_004168.4 (MANE Select); coding-DNA position 1564, C replaced by T.
Protein change: p.His522Tyr; replaces histidine 522 with tyrosine.
Molecular consequence: missense variant. On other transcripts: intron variant (1).
Genome position (GRCh38, 1-based): chr5:251,004, C>T. VCF-style: chr5-251004-C-T. GRCh37 (hg19) VCF-style: chr5-251119-C-T.
Other names: c.1420C>T, p.His474Tyr (NM_001294332.2); c.1552-3389C>T (NM_001330758.2); short protein forms H522Y, H474Y.
Identifiers: ClinVar variation 2116353 (VCV002116353.4), dbSNP rs2477454353, ClinGen allele CA358998434.